The following is an entry in ClinVar:

NM_054027.6(ANKH):c.1262T>G (p.Leu421Arg)

Genes: ANKH (ANKH inorganic pyrophosphate transport regulator; minus strand), OTULIN (OTU deubiquitinase with linear linkage specificity; plus strand), LOC100130744 (uncharacterized LOC100130744; plus strand). Cytogenetic location: 5p15.2.
Variant type: single nucleotide variant.
Coding change: c.1262T>G on transcript NM_054027.6 (MANE Select); coding-DNA position 1262, T replaced by G.
Protein change: p.Leu421Arg; replaces leucine 421 with arginine.
Molecular consequence: missense variant. On other transcripts: non-coding transcript variant (1).
Genome position (GRCh38, 1-based): chr5:14,713,547, A>C on the plus strand (T>G on the coding strand, the complement: ANKH is on the minus strand). VCF-style: chr5-14713547-A-C. GRCh37 (hg19) VCF-style: chr5-14713656-A-C.
Other names: short protein forms L421R.
Identifiers: ClinVar variation 2106215 (VCV002106215.4), dbSNP rs2478332627, ClinGen allele CA359244964.
Genomic context (GRCh38, chr5:14,713,547, plus strand): 5'-GGACACAGTATTGAAGTGGCAGAAGGACCCACAGCCCCAAACTCCCTGACAACATACCCC[A>C]GGTAGGGTAGGACCACGAGGCTGGCGATGAGGACGATGATCCGCAGCACAGAGCTGGGGG-3'
Protein context (NP_473368.1, residues 411-431): LIASLVVLPY[Leu421Arg]GVHGATLGVG

ClinVar aggregate classification (germline): Uncertain significance (1 of 4 stars; one submission).

Submission:

Labcorp Genetics (formerly Invitae), Labcorp
Classification: Uncertain significance. Last evaluated: 2022-06-03. Review status: criteria provided, single submitter. Criteria: Invitae Variant Classification Sherloc (09022015). Collection method: clinical testing. Allele origin: germline.
Comment: In summary, the available evidence is currently insufficient to determine the role of this variant in disease. Therefore, it has been classified as a Variant of Uncertain Significance. Algorithms developed to predict the effect of missense changes on protein structure and function (SIFT, PolyPhen-2, Align-GVGD) all suggest that this variant is likely to be disruptive. This variant has not been reported in the literature in individuals affected with ANKH-related conditions. This variant is not present in population databases (gnomAD no frequency). This sequence change replaces leucine, which is neutral and non-polar, with arginine, which is basic and polar, at codon 421 of the ANKH protein (p.Leu421Arg).